The following is an entry in ClinVar:

ClinVar aggregate classification (germline): Uncertain significance (1 of 4 stars; one submission).

Submission:

GeneDx
Classification: Uncertain significance. Last evaluated: 2023-02-16. Review status: criteria provided, single submitter. Criteria: GeneDx Variant Classification Process June 2021. Collection method: clinical testing. Allele origin: germline. Affected: yes.
Comment: Not observed at significant frequency in large population cohorts (gnomAD); In silico analysis supports that this missense variant has a deleterious effect on protein structure/function; Has not been previously published as pathogenic or benign to our knowledge

NM_031206.7(LAS1L):c.564A>C (p.Gln188His)

Gene: LAS1L (LAS1 like ribosome biogenesis factor; minus strand). Cytogenetic location: Xq12.
Variant type: single nucleotide variant.
Coding change: c.564A>C on transcript NM_031206.7 (MANE Select); coding-DNA position 564, A replaced by C.
Protein change: p.Gln188His; replaces glutamine 188 with histidine.
Molecular consequence: missense variant. On other transcripts: 5 prime UTR variant (1), non-coding transcript variant (1).
Genome position (GRCh38, 1-based): chrX:65,529,829, T>G on the plus strand (A>C on the coding strand, the complement: LAS1L is on the minus strand). VCF-style: chrX-65529829-T-G. GRCh37 (hg19) VCF-style: chrX-64749709-T-G.
Other names: c.564A>C, p.Gln188His (NM_001170649.2, NM_001375328.1, NM_001375329.1 and 8 more transcripts); c.438A>C, p.Gln146His (NM_001170650.2); c.-233A>C (NM_001375332.1); short protein forms Q146H, Q188H.
Identifiers: ClinVar variation 2576955 (VCV002576955.1), dbSNP rs2522656730, ClinGen allele CA413319943.
Genomic context (GRCh38, chrX:65,529,829, plus strand): 5'-TTCCTCTATCCCTTCCCTGAACTCCTCCAACTCCCAGGTCTCTCTCAGGCTGTTCTCCAG[T>G]TGGCGGCACCAATAGGTCTTCTGGAGCCAATCCAGGACAAAGTAGCAGCCTAGAGGGGGG-3'
Protein context (NP_112483.1, residues 178-198): DWLQKTYWCR[Gln188His]LENSLRETWE